The following is an entry in ClinVar:

ClinVar aggregate classification (germline): Likely benign. Review status: criteria provided, multiple submitters, no conflicts (2 of 4 stars). 3 submissions from 3 submitters: Likely benign (3). Last evaluated 2025-01-07.

Conditions:
Hereditary nonpolyposis colorectal neoplasms. Identifiers: MedGen C0009405, MeSH D003123.
Lynch syndrome 5 (LYNCH5). Also called: Colorectal cancer, hereditary nonpolyposis, type 5; Hereditary non-polyposis colorectal cancer, type 5. Identifiers: Orphanet 144, MedGen C1833477, MONDO:0013710, OMIM 614350. Disease mechanism: loss of function.

Allele frequency attached by ClinVar (database versions not stated): gnomAD exomes below 0.00001.
gnomAD v4.1: 1 of 1,613,156 alleles (0.000062%); highest among the groups gnomAD compares: African/African-American, 0.0013%; no homozygotes.

Submissions (3):

Myriad Genetics, Inc.
Classification: Likely benign for Lynch syndrome 5. Last evaluated: 2025-01-07. Review status: criteria provided, single submitter. Criteria: Myriad Autosomal Dominant, Autosomal Recessive and X-Linked Classification Criteria (2023). Collection method: clinical testing. Allele origin: unknown.
Comment: This variant is considered likely benign. This variant is intronic and is not expected to impact mRNA splicing.

Labcorp Genetics (formerly Invitae), Labcorp
Classification: Likely benign for Hereditary nonpolyposis colorectal neoplasms. Last evaluated: 2019-10-29. Review status: criteria provided, single submitter. Criteria: Invitae Variant Classification Sherloc (09022015). Collection method: clinical testing. Allele origin: germline.

GeneDx
Classification: Likely benign. Last evaluated: 2018-03-13. Review status: criteria provided, single submitter. Criteria: GeneDx Variant Classification (06012015). Collection method: clinical testing. Allele origin: germline. Affected: yes.
Comment: This variant is considered likely benign or benign based on one or more of the following criteria: it is a conservative change, it occurs at a poorly conserved position in the protein, it is predicted to be benign by multiple in silico algorithms, and/or has population frequency not consistent with disease.

NM_000179.3(MSH6):c.3647-10A>G

Gene: MSH6 (mutS homolog 6; plus strand). Cytogenetic location: 2p16.3.
Variant type: single nucleotide variant.
Coding change: c.3647-10A>G on transcript NM_000179.3 (MANE Select); 10 bases into the intron before coding-DNA position 3647, A replaced by G.
Molecular consequence: intron variant.
Genome position (GRCh38, 1-based): chr2:47,806,194, A>G. VCF-style: chr2-47806194-A-G. GRCh37 (hg19) VCF-style: chr2-48033333-A-G.
Other names: c.2741-10A>G (NM_001281493.2, NM_001281494.2); c.3257-10A>G (NM_001281492.2).
Identifiers: ClinVar variation 516055 (VCV000516055.12), dbSNP rs756569687, ClinGen allele CA658795752.